The following is an entry in ClinVar:

NM_000132.4(F8):c.6429+9843A>G

Genes: F8 (coagulation factor VIII; minus strand), LOC106146150 (int22h-1 recombination region; plus strand). Cytogenetic location: Xq28.
Variant type: single nucleotide variant.
Coding change: c.6429+9843A>G on transcript NM_000132.4 (MANE Select); 9843 bases into the intron after coding-DNA position 6429, A replaced by G.
Molecular consequence: intron variant. On other transcripts: 5 prime UTR variant (1).
Genome position (GRCh38, 1-based): chrX:154,886,234, T>C on the plus strand (A>G on the coding strand, the complement: F8 is on the minus strand). VCF-style: chrX-154886234-T-C. GRCh37 (hg19) VCF-style: chrX-154114509-T-C.
Other names: NC_000023.10:g.154114509T>C; c.-77A>G (NM_019863.3, NM_019863.2).
Identifiers: ClinVar variation 4479965 (VCV004479965.2).

ClinVar aggregate classification (germline): Benign (1 of 4 stars; one submission).

Submissions (2):

Mayo Clinic Laboratories, Mayo Clinic
Classification: Benign. Last evaluated: 2023-07-19. Review status: criteria provided, single submitter. Criteria: ACMG Guidelines, 2015. Collection method: clinical testing. Allele origin: germline. Observed: 73 variant alleles.
Comment: BS1, BP4, BP7

Dr. Peter K. Rogan Lab, Western University
No classification provided (evidence only). Condition: Hepatocellular carcinoma. Review status: no classification provided. Collection method: in vitro. Allele origin: not applicable. Functional consequence: retained intron. Not counted in ClinVar's aggregate classification.